The following is an entry in ClinVar:

NM_006904.7(PRKDC):c.8393C>T (p.Ala2798Val)

Gene: PRKDC (protein kinase, DNA-activated, catalytic subunit; minus strand). Cytogenetic location: 8q11.21.
Variant type: single nucleotide variant.
Coding change: c.8393C>T on transcript NM_006904.7 (MANE Select); coding-DNA position 8393, C replaced by T.
Protein change: p.Ala2798Val; replaces alanine 2798 with valine.
Molecular consequence: missense variant.
Genome position (GRCh38, 1-based): chr8:47,830,609, G>A on the plus strand (C>T on the coding strand, the complement: PRKDC is on the minus strand). VCF-style: chr8-47830609-G-A. GRCh37 (hg19) VCF-style: chr8-48743170-G-A.
Other names: c.8393C>T, p.Ala2798Val (NM_001081640.2); short protein forms A2798V.
Identifiers: ClinVar variation 2560672 (VCV002560672.2), dbSNP rs2551866601, ClinGen allele CA371146500.

ClinVar aggregate classification (germline): Uncertain significance (1 of 4 stars; one submission).

Submission:

Ambry Genetics
Classification: Uncertain significance. Last evaluated: 2023-04-22. Review status: criteria provided, single submitter. Criteria: Ambry Variant Classification Scheme 2023. Collection method: clinical testing. Allele origin: germline.
Comment: The p.A2798V variant (also known as c.8393C>T), located in coding exon 61 of the PRKDC gene, results from a C to T substitution at nucleotide position 8393. The alanine at codon 2798 is replaced by valine, an amino acid with similar properties. This amino acid position is conserved. Since supporting evidence is limited at this time, the clinical significance of this alteration remains unclear.